The following is an entry in ClinVar:

NM_000548.5(TSC2):c.138+2T>C

Gene: TSC2 (TSC complex subunit 2; plus strand). Cytogenetic location: 16p13.3.
Variant type: single nucleotide variant.
Coding change: c.138+2T>C on transcript NM_000548.5 (MANE Select); the canonical splice donor site of the intron after coding-DNA position 138, T replaced by C.
Molecular consequence: splice donor variant. On other transcripts: intron variant (6).
Genome position (GRCh38, 1-based): chr16:2,048,755, T>C. VCF-style: chr16-2048755-T-C. GRCh37 (hg19) VCF-style: chr16-2098756-T-C.
Other names: c.-1294+2T>C (NM_001406690.1, NM_001406692.1, NM_001406691.1 and 2 more transcripts); c.-1470+2T>C (NM_001406698.1); c.138+2T>C (NM_001114382.3, NM_001406663.1, NM_001406664.1 and 13 more transcripts); c.-1175+2T>C (NM_001406694.1, NM_001406695.1); c.-1282+2T>C (NM_001406696.1); c.-308+2T>C (NM_001406681.1); c.-89+2T>C (NM_001406682.1, NM_001406684.1, NM_001406685.1 and 2 more transcripts); c.-10+690T>C (NM_001406677.1, NM_001406675.1, NM_001406676.1 and 2 more transcripts); and 4 more.
Identifiers: ClinVar variation 49155 (VCV000049155.12), dbSNP rs137854226, ClinGen allele CA014657.

ClinVar aggregate classification (germline): Pathogenic. Review status: criteria provided, multiple submitters, no conflicts (2 of 4 stars). 4 submissions from 4 submitters: Pathogenic (3). 1 of the submissions does not count toward it. Last evaluated 2026-02-27.

Conditions:
Tuberous sclerosis syndrome (TSC). Also called: Tuberous Sclerosis Complex; Tuberous sclerosis. Identifiers: Orphanet 805, MedGen C0041341, MONDO:0001734.
Tuberous sclerosis 2 (TSC2). Identifiers: Orphanet 805, MedGen C1860707, MONDO:0013199, OMIM 613254.

Submissions (4):

GeneDx
Classification: Pathogenic. Last evaluated: 2026-02-27. Review status: criteria provided, single submitter. Criteria: GeneDx Variant Classification Process June 2021. Collection method: clinical testing. Allele origin: germline. Affected: yes.
Comment: Canonical splice site variant predicted to result in an in-frame loss of the adjacent exon in a gene for which loss of function is a known mechanism of disease; Deletions involving coding exons of this gene are a known mechanism of disease (HGMD); Not observed at significant frequency in large population cohorts (gnomAD); This variant is associated with the following publications: (PMID: 25525159, 17304050, 18772611)

Labcorp Genetics (formerly Invitae), Labcorp
Classification: Pathogenic for Tuberous sclerosis 2. Last evaluated: 2024-02-23. Review status: criteria provided, single submitter. Criteria: Invitae Variant Classification Sherloc (09022015). Collection method: clinical testing. Allele origin: germline.
Comment: This sequence change affects a donor splice site in intron 2 of the TSC2 gene. It is expected to disrupt RNA splicing. Variants that disrupt the donor or acceptor splice site typically lead to a loss of protein function (PMID: 16199547), and loss-of-function variants in TSC2 are known to be pathogenic (PMID: 10205261, 17304050). This variant is not present in population databases (gnomAD no frequency). Disruption of this splice site has been observed in individuals with tuberous sclerosis complex (PMID: 18772611; Invitae). ClinVar contains an entry for this variant (Variation ID: 49155). Algorithms developed to predict the effect of sequence changes on RNA splicing suggest that this variant may disrupt the consensus splice site. For these reasons, this variant has been classified as Pathogenic.

Athena Diagnostics
Classification: Pathogenic. Last evaluated: 2017-02-28. Review status: criteria provided, single submitter. Criteria: Athena Diagnostics Criteria. Collection method: clinical testing. Allele origin: germline.

Tuberous sclerosis database (TSC2)
No classification provided. Condition: TSC. Review status: no classification provided. Criteria: Tuberous Sclerosis Database Assertion Criteria 2015. Collection method: curation. Allele origin: germline. Affected: yes. Not counted in ClinVar's aggregate classification.

Literature cited by the submitters: PubMed 16199547 (cited by Labcorp Genetics (formerly Invitae), Labcorp); PubMed 10205261 (cited by Labcorp Genetics (formerly Invitae), Labcorp); PubMed 17304050 (cited by Labcorp Genetics (formerly Invitae), Labcorp); PubMed 18772611 (cited by Labcorp Genetics (formerly Invitae), Labcorp and Athena Diagnostics).